The following is an entry in ClinVar:

NM_000053.4(ATP7B):c.1947-19T>A

Gene: ATP7B (ATPase copper transporting beta; minus strand). Cytogenetic location: 13q14.3.
Variant type: single nucleotide variant.
Coding change: c.1947-19T>A on transcript NM_000053.4 (MANE Select); 19 bases into the intron before coding-DNA position 1947, T replaced by A.
Molecular consequence: intron variant.
Genome position (GRCh38, 1-based): chr13:51,960,341, A>T on the plus strand (T>A on the coding strand, the complement: ATP7B is on the minus strand). VCF-style: chr13-51960341-A-T. GRCh37 (hg19) VCF-style: chr13-52534477-A-T.
Other names: c.1614-19T>A (NM_001243182.2); c.1870-2734T>A (NM_001005918.3); c.1870-1797T>A (NM_001330579.2); c.1947-19T>A (NM_001330578.2).
Identifiers: ClinVar variation 812709 (VCV000812709.3), dbSNP rs1593733949, ClinGen allele CA915948659.

ClinVar aggregate classification (germline): Likely pathogenic (1 of 4 stars; one submission).

Conditions:
Wilson disease (WND). Also called: Wilson's disease. Identifiers: Orphanet 905, MedGen C0019202, MONDO:0010200, OMIM 277900. Disease mechanism: loss of function.

Submission:

Institute for Genomic Medicine, Nationwide Children's Hospital
Classification: Likely pathogenic for Wilson disease. Last evaluated: 2020-02-13. Review status: criteria provided, single submitter. Criteria: ACMG Guidelines, 2015. Collection method: research. Allele origin: inherited. Inheritance: Autosomal recessive inheritance. Affected: yes. Observed: 1 homozygote.
Comment: This variant was identified by whole-genome sequencing of a consanguineous family in which two children carry a clinical diagnosis of Wilson disease. It is absent from the gnomAD database and segregates with WD in the family under the expected autosomal recessive inheritance model (both affected children are homozygous). Although located 19 bases into intron 5, the variant is predicted to disrupt an SC35 splicing enhancer motif and creates an hnRNP A1 splicing silencer motif according to Human Splicing Finder. RNA-seq of liver tissue from the proband demonstrated skipping of exons 6 and 7, disrupting key transmembrane and metal-binding domains. We interpret the variant as likely pathogenic.